The following is an entry in ClinVar:

NM_004082.5(DCTN1):c.41G>T (p.Ser14Ile)

Gene: DCTN1 (dynactin subunit 1; minus strand). Cytogenetic location: 2p13.1.
Variant type: single nucleotide variant.
Coding change: c.41G>T on transcript NM_004082.5 (MANE Select); coding-DNA position 41, G replaced by T.
Protein change: p.Ser14Ile; replaces serine 14 with isoleucine.
Molecular consequence: missense variant. On other transcripts: 5 prime UTR variant (3), non-coding transcript variant (1).
Genome position (GRCh38, 1-based): chr2:74,378,238, C>A on the plus strand (G>T on the coding strand, the complement: DCTN1 is on the minus strand). VCF-style: chr2-74378238-C-A. GRCh37 (hg19) VCF-style: chr2-74605365-C-A.
Other names: c.41G>T, p.Ser14Ile (NM_001135040.3, NM_001190837.2); c.-11G>T (NM_001190836.2, NM_001378991.1, NM_001378992.1); short protein forms S14I.
Identifiers: ClinVar variation 1896133 (VCV001896133.5), dbSNP rs1214500454, ClinGen allele CA347323370.

ClinVar aggregate classification (germline): Uncertain significance (1 of 4 stars; one submission).

Conditions:
Perry syndrome. Also called: PARKINSONISM WITH ALVEOLAR HYPOVENTILATION AND MENTAL DEPRESSION. Identifiers: Orphanet 178509, MedGen C1868594, MONDO:0008201, OMIM 168605.
Neuronopathy, distal hereditary motor, type 7B. Also called: HMN VIIB; LOWER MOTOR NEURON DISEASE, DYNACTIN TYPE; Distal Hereditary Motor Neuronopathy Type 7B (dHMN7B); NEURONOPATHY, DISTAL HEREDITARY MOTOR, AUTOSOMAL DOMINANT 14; NEURONOPATHY, DISTAL HEREDITARY MOTOR, HARDING TYPE VIIB; NEUROPATHY, DISTAL HEREDITARY MOTOR, HARDING TYPE VIIB. Identifiers: Orphanet 139589, MedGen C1843315, MONDO:0011879, OMIM 607641.
Amyotrophic lateral sclerosis type 1 (ALS1). Also called: AMYOTROPHIC LATERAL SCLEROSIS 1, FAMILIAL. Identifiers: Orphanet 803, MedGen C1862939, MONDO:0007103, OMIM 105400.

Allele frequency attached by ClinVar (database versions not stated): gnomAD exomes below 0.00001.
gnomAD v4.1: 2 of 1,607,576 alleles (0.00012%); highest among the groups gnomAD compares: Non-Finnish European, 0.00017%; no homozygotes.

Submission:

Labcorp Genetics (formerly Invitae), Labcorp
Classification: Uncertain significance for Amyotrophic lateral sclerosis type 1; Neuronopathy, distal hereditary motor, type 7B; Perry syndrome. Last evaluated: 2024-09-21. Review status: criteria provided, single submitter. Criteria: Invitae Variant Classification Sherloc (09022015). Collection method: clinical testing. Allele origin: germline.
Comment: This sequence change replaces serine, which is neutral and polar, with isoleucine, which is neutral and non-polar, at codon 14 of the DCTN1 protein (p.Ser14Ile). This variant is not present in population databases (gnomAD no frequency). This variant has not been reported in the literature in individuals affected with DCTN1-related conditions. ClinVar contains an entry for this variant (Variation ID: 1896133). An algorithm developed to predict the effect of missense changes on protein structure and function (PolyPhen-2) suggests that this variant is likely to be tolerated. In summary, the available evidence is currently insufficient to determine the role of this variant in disease. Therefore, it has been classified as a Variant of Uncertain Significance.